The following is an entry in ClinVar:

ClinVar aggregate classification (germline): Uncertain significance (1 of 4 stars; one submission).

Allele frequency attached by ClinVar (database versions not stated): gnomAD exomes 0.00001; ExAC 0.00002.
gnomAD v4.1: 7 of 1,594,136 alleles (0.00044%); highest among the groups gnomAD compares: Non-Finnish European, 0.00034%; no homozygotes.

Submission:

Labcorp Genetics (formerly Invitae), Labcorp
Classification: Uncertain significance. Last evaluated: 2021-09-24. Review status: criteria provided, single submitter. Criteria: Invitae Variant Classification Sherloc (09022015). Collection method: clinical testing. Allele origin: germline.
Comment: This sequence change replaces arginine with serine at codon 108 of the PPP2CA protein (p.Arg108Ser). The arginine residue is moderately conserved and there is a moderate physicochemical difference between arginine and serine. This variant is present in population databases (rs749041136, ExAC 0.003%). This variant has not been reported in the literature in individuals affected with PPP2CA-related conditions. Algorithms developed to predict the effect of missense changes on protein structure and function (SIFT, PolyPhen-2, Align-GVGD) all suggest that this variant is likely to be tolerated. Algorithms developed to predict the effect of sequence changes on RNA splicing suggest that this variant may create or strengthen a splice site. In summary, the available evidence is currently insufficient to determine the role of this variant in disease. Therefore, it has been classified as a Variant of Uncertain Significance.

NM_002715.4(PPP2CA):c.322C>A (p.Arg108Ser)

Gene: PPP2CA (protein phosphatase 2 catalytic subunit alpha; minus strand). Cytogenetic location: 5q31.1.
Variant type: single nucleotide variant.
Coding change: c.322C>A on transcript NM_002715.4 (MANE Select); coding-DNA position 322, C replaced by A.
Protein change: p.Arg108Ser; replaces arginine 108 with serine.
Molecular consequence: missense variant. On other transcripts: non-coding transcript variant (1).
Genome position (GRCh38, 1-based): chr5:134,202,012, G>T on the plus strand (C>A on the coding strand, the complement: PPP2CA is on the minus strand). VCF-style: chr5-134202012-G-T. GRCh37 (hg19) VCF-style: chr5-133537703-G-T.
Other names: c.127C>A, p.Arg43Ser (NM_001355019.2); short protein forms R43S, R108S.
Identifiers: ClinVar variation 1477275 (VCV001477275.6), dbSNP rs749041136, ClinGen allele CA3412837.